The following is an entry in ClinVar:

ClinVar aggregate classification (germline): Uncertain significance (1 of 4 stars; one submission).

Allele frequency attached by ClinVar (database versions not stated): gnomAD exomes below 0.00001; ExAC 0.00001.

Submission:

GeneDx
Classification: Uncertain significance. Last evaluated: 2023-04-07. Review status: criteria provided, single submitter. Criteria: GeneDx Variant Classification Process June 2021. Collection method: clinical testing. Allele origin: germline. Affected: yes.
Comment: Not observed at significant frequency in large population cohorts (gnomAD); Frameshift variant predicted to result in protein truncation or nonsense mediated decay in a gene or region of a gene for which loss of function is not a well-established mechanism of disease; Has not been previously published as pathogenic or benign to our knowledge

NM_001256071.3(RNF213):c.1166_1167del (p.Leu389fs)

Gene: RNF213 (ring finger protein 213; plus strand). Cytogenetic location: 17q25.3.
Variant type: Deletion.
Coding change: c.1166_1167del on transcript NM_001256071.3 (MANE Select); coding-DNA positions 1166 to 1167, 2 bases deleted (TT; older notation c.1166_1167delTT).
Protein change: p.Leu389fs; shifts the reading frame from leucine 389.
Molecular consequence: frameshift variant.
Genome position (GRCh38, 1-based): chr17:80,290,623-80,290,624, TT deleted. VCF-style (leftmost placement, unchanged base first): chr17-80290622-CTT-C. GRCh37 (hg19) VCF-style: chr17-78264421-CTT-C.
Other names: c.1313_1314del, p.Leu438fs (NM_001410195.1, NM_020914.5); c.1166_1167del, p.Leu389fs (NM_020954.4); short protein forms L389fs, L438fs.
Identifiers: ClinVar variation 2662471 (VCV002662471.1), dbSNP rs763931181, ClinGen allele CA8819485.
Genomic context (GRCh38, chr17:80,290,622, plus strand): 5'-TCCACCAGCACGCTGAGCCCGGGTGGAGGAGTCACCGTGTTCTTCCACGCCATCATCTCT[CTT>C]CATTTCCCATTCAATCCTGACCTCCATAAAGTCTTCATCAGAGGAGGAGAAGAATTTGGG-3'